The following is an entry in ClinVar:

NM_000458.4(HNF1B):c.298A>T (p.Thr100Ser)

Gene: HNF1B (HNF1 homeobox B; minus strand). Cytogenetic location: 17q12.
Variant type: single nucleotide variant.
Coding change: c.298A>T on transcript NM_000458.4 (MANE Select); coding-DNA position 298, A replaced by T.
Protein change: p.Thr100Ser; replaces threonine 100 with serine.
Molecular consequence: missense variant.
Genome position (GRCh38, 1-based): chr17:37,744,587, T>A on the plus strand (A>T on the coding strand, the complement: HNF1B is on the minus strand). VCF-style: chr17-37744587-T-A. GRCh37 (hg19) VCF-style: chr17-36104578-T-A.
Other names: c.298A>T, p.Thr100Ser (NM_001165923.4, NM_001304286.2, NM_001411100.1); short protein forms T100S.
Identifiers: ClinVar variation 1802670 (VCV001802670.1), dbSNP rs1568675935, ClinGen allele CA398753191.

ClinVar aggregate classification (germline): Uncertain risk allele (1 of 4 stars; one submission).

Conditions:
Maturity-onset diabetes of the young (MODY). Also called: Maturity onset diabetes mellitus in young. Identifiers: Orphanet 552, MedGen C0342276, MONDO:0018911, HP:0004904.

Allele frequency attached by ClinVar (database versions not stated): TOPMed below 0.00001.

Submission:

Clinical Genomics, Uppaluri K&H Personalized Medicine Clinic
Classification: Uncertain risk allele for Maturity-onset diabetes of the young. Review status: criteria provided, single submitter. Criteria: K & H Uppaluri Personalized Medicine Clinic Variant Classification & Assertion Criteria_Updated V.1. Collection method: research. Allele origin: unknown. Inheritance: Autosomal dominant inheritance.
Comment: HNF1B gene mutations are associated with early onset diabetes and pancreatic atrophy. It is also associated with multiple renal manifestations including renal cysts, Tubulointerstitial disease, glomerulocystic disease, renal hypoplasia, hypomagnesemia. However no sufficient evidence is found to ascertain the role of this particular variant rs1568675935, yet.

Literature cited by the submitters: PubMed 24897035; PubMed 25536396; PubMed 27615128; PubMed 28215227; PubMed 33434175; PubMed 25741167; PubMed 26340261; PubMed 19639018.